The following is an entry in ClinVar:

NM_152393.4(KLHL40):c.1334C>T (p.Ser445Leu)

Gene: KLHL40 (kelch like family member 40; plus strand). Cytogenetic location: 3p22.1.
Variant type: single nucleotide variant.
Coding change: c.1334C>T on transcript NM_152393.4 (MANE Select); coding-DNA position 1334, C replaced by T.
Protein change: p.Ser445Leu; replaces serine 445 with leucine.
Molecular consequence: missense variant.
Genome position (GRCh38, 1-based): chr3:42,688,630, C>T. VCF-style: chr3-42688630-C-T. GRCh37 (hg19) VCF-style: chr3-42730122-C-T.
Other names: short protein forms S445L.
Identifiers: ClinVar variation 950737 (VCV000950737.4), dbSNP rs375891897, ClinGen allele CA2336925.

ClinVar aggregate classification (germline): Uncertain significance (1 of 4 stars; one submission).

Conditions:
Nemaline myopathy 8 (NEM8). Also called: Nemaline myopathy 8, autosomal recessive. Identifiers: Orphanet 171430, MedGen C3809209, MONDO:0014138, OMIM 615348.

Allele frequency attached by ClinVar (database versions not stated): gnomAD 0.00001; TOPMed 0.00001; gnomAD exomes 0.00004 and 0.00005; ExAC 0.00007; ESP Exome Variant Server 0.00008.
gnomAD v4.1: 57 of 1,613,632 alleles (0.0035%); highest among the groups gnomAD compares: Middle Eastern, 0.033%; no homozygotes.

Submission:

Labcorp Genetics (formerly Invitae), Labcorp
Classification: Uncertain significance for Nemaline myopathy 8. Last evaluated: 2022-07-26. Review status: criteria provided, single submitter. Criteria: Invitae Variant Classification Sherloc (09022015). Collection method: clinical testing. Allele origin: germline.
Comment: This sequence change replaces serine, which is neutral and polar, with leucine, which is neutral and non-polar, at codon 445 of the KLHL40 protein (p.Ser445Leu). This variant is present in population databases (rs375891897, gnomAD 0.02%). This variant has not been reported in the literature in individuals affected with KLHL40-related conditions. ClinVar contains an entry for this variant (Variation ID: 950737). Algorithms developed to predict the effect of missense changes on protein structure and function are either unavailable or do not agree on the potential impact of this missense change (SIFT: "Deleterious"; PolyPhen-2: "Benign"; Align-GVGD: "Class C0"). In summary, the available evidence is currently insufficient to determine the role of this variant in disease. Therefore, it has been classified as a Variant of Uncertain Significance.